The following is an entry in ClinVar:

ClinVar aggregate classification (germline): Uncertain significance (1 of 4 stars; one submission).

Conditions:
Hereditary cancer-predisposing syndrome. Also called: Hereditary Cancer Syndrome; Hereditary neoplastic syndrome; Tumor predisposition; Neoplastic Syndromes, Hereditary. Identifiers: Orphanet 140162, MedGen C0027672, MeSH D009386, MONDO:0015356.

gnomAD v4.1: 18 of 1,614,102 alleles (0.0011%); highest among the groups gnomAD compares: African/African-American, 0.0053%; no homozygotes.

Submission:

Ambry Genetics
Classification: Uncertain significance for Hereditary cancer-predisposing syndrome. Last evaluated: 2024-07-01. Review status: criteria provided, single submitter. Criteria: Ambry Variant Classification Scheme 2023. Collection method: clinical testing. Allele origin: germline.
Comment: The p.I131V variant (also known as c.391A>G), located in coding exon 1 of the GREM1 gene, results from an A to G substitution at nucleotide position 391. The isoleucine at codon 131 is replaced by valine, an amino acid with highly similar properties. This amino acid position is conserved. In addition, this alteration is predicted to be tolerated by in silico analysis. Based on the available evidence, the clinical significance of this variant remains unclear.

NM_013372.7(GREM1):c.391A>G (p.Ile131Val)

Gene: GREM1 (gremlin 1, DAN family BMP antagonist; plus strand). Cytogenetic location: 15q13.3.
Variant type: single nucleotide variant.
Coding change: c.391A>G on transcript NM_013372.7 (MANE Select); coding-DNA position 391, A replaced by G.
Protein change: p.Ile131Val; replaces isoleucine 131 with valine.
Molecular consequence: missense variant.
Genome position (GRCh38, 1-based): chr15:32,731,081, A>G. VCF-style: chr15-32731081-A-G. GRCh37 (hg19) VCF-style: chr15-33023282-A-G.
Other names: c.181A>G, p.Ile61Val (NM_001191322.2); c.268A>G, p.Ile90Val (NM_001191323.2); c.391A>G, p.Ile131Val (NM_001368719.1); short protein forms I131V, I61V, I90V.
Identifiers: ClinVar variation 3522495 (VCV003522495.1).